The following is an entry in ClinVar:

NM_004134.7(HSPA9):c.1509T>C (p.Phe503=)

Gene: HSPA9 (heat shock protein family A (Hsp70) member 9; minus strand). Cytogenetic location: 5q31.2.
Variant type: single nucleotide variant.
Coding change: c.1509T>C on transcript NM_004134.7 (MANE Select); coding-DNA position 1509, T replaced by C.
Protein change: p.Phe503=; no amino-acid change (phenylalanine 503 retained).
Molecular consequence: synonymous variant.
Genome position (GRCh38, 1-based): chr5:138,558,559, A>G on the plus strand (T>C on the coding strand, the complement: HSPA9 is on the minus strand). VCF-style: chr5-138558559-A-G. GRCh37 (hg19) VCF-style: chr5-137894248-A-G.
Identifiers: ClinVar variation 743030 (VCV000743030.5), dbSNP rs199863065, ClinGen allele CA3430769.

ClinVar aggregate classification (germline): Likely benign. Review status: criteria provided, single submitter (1 of 4 stars). 2 submissions from 2 submitters: Likely benign (1). 1 of the submissions does not count toward it. Last evaluated 2018-04-25.

Conditions:
HSPA9-related disorder. Also called: HSPA9-related condition.

Allele frequency attached by ClinVar (database versions not stated): gnomAD 0.00008; TOPMed 0.00023.
gnomAD v4.1: 41 of 1,591,626 alleles (0.0026%); highest among the groups gnomAD compares: Admixed American, 0.022%; no homozygotes.

Submissions (2):

Labcorp Genetics (formerly Invitae), Labcorp
Classification: Likely benign. Last evaluated: 2018-04-25. Review status: criteria provided, single submitter. Criteria: Invitae Variant Classification Sherloc (09022015). Collection method: clinical testing. Allele origin: germline.

PreventionGenetics, part of Exact Sciences
Classification: Likely benign for HSPA9-related condition. Last evaluated: 2019-08-19. Review status: no assertion criteria provided. Collection method: clinical testing. Allele origin: germline. Not counted in ClinVar's aggregate classification.
Comment: This variant is classified as likely benign based on ACMG/AMP sequence variant interpretation guidelines (Richards et al. 2015 PMID: 25741868, with internal and published modifications).